The following is an entry in ClinVar:

ClinVar aggregate classification (germline): Uncertain significance (1 of 4 stars; one submission).

Submission:

Women's Health and Genetics/Laboratory Corporation of America, LabCorp
Classification: Uncertain significance. Last evaluated: 2026-03-30. Review status: criteria provided, single submitter. Criteria: LabCorp Variant Classification Summary - May 2015. Collection method: clinical testing. Allele origin: germline.
Comment: Variant summary: PKD1 c.6653T>C (p.Leu2218Pro) results in a non-conservative amino acid change in the encoded protein sequence. Algorithms developed to predict the effect of missense changes on protein structure and function are either unavailable or do not agree on the potential impact of this missense change. The variant was absent in 238162 control chromosomes. The available data on variant occurrences in the general population are insufficient to allow any conclusion about variant significance. To our knowledge, no occurrence of c.6653T>C in individuals affected with PKD1-related conditions and no experimental evidence demonstrating its impact on protein function have been reported. No submitters have cited clinical-significance assessments for this variant to ClinVar. Based on the evidence outlined above, the variant was classified as uncertain significance.

NM_001009944.3(PKD1):c.6653T>C (p.Leu2218Pro)

Gene: PKD1 (polycystin 1, transient receptor potential channel interacting; minus strand). Cytogenetic location: 16p13.3.
Variant type: single nucleotide variant.
Coding change: c.6653T>C on transcript NM_001009944.3 (MANE Select); coding-DNA position 6653, T replaced by C.
Protein change: p.Leu2218Pro; replaces leucine 2218 with proline.
Molecular consequence: missense variant.
Genome position (GRCh38, 1-based): chr16:2,108,514, A>G on the plus strand (T>C on the coding strand, the complement: PKD1 is on the minus strand). VCF-style: chr16-2108514-A-G. GRCh37 (hg19) VCF-style: chr16-2158515-A-G.
Other names: c.6653T>C, p.Leu2218Pro (NM_000296.4); short protein forms L2218P.
Identifiers: ClinVar variation 4847611 (VCV004847611.1).